The following is an entry in ClinVar:

NM_001077350.3(NPRL3):c.748C>T (p.Arg250Trp)

Genes: HBA-LCR (alpha-globin locus control region; plus strand), NPRL3 (NPR3 like, GATOR1 complex subunit; minus strand). Cytogenetic location: 16p13.3.
Variant type: single nucleotide variant.
Coding change: c.748C>T on transcript NM_001077350.3 (MANE Select); coding-DNA position 748, C replaced by T.
Protein change: p.Arg250Trp; replaces arginine 250 with tryptophan.
Molecular consequence: missense variant.
Genome position (GRCh38, 1-based): chr16:100,391, G>A on the plus strand (C>T on the coding strand, the complement: NPRL3 is on the minus strand). VCF-style: chr16-100391-G-A. GRCh37 (hg19) VCF-style: chr16-150389-G-A.
Other names: c.211C>T, p.Arg71Trp (NM_001039476.3); c.514C>T, p.Arg172Trp (NM_001243247.2); c.673C>T, p.Arg225Trp (NM_001243248.2, NM_001243249.2); short protein forms R225W, R250W, R71W, R172W.
Identifiers: ClinVar variation 542794 (VCV000542794.10), dbSNP rs577935445, ClinGen allele CA7769567.

ClinVar aggregate classification (germline): Uncertain significance. Review status: criteria provided, multiple submitters, no conflicts (2 of 4 stars). 2 submissions from 2 submitters: Uncertain significance (2). Last evaluated 2024-01-25.

Conditions:
Epilepsy, familial focal, with variable foci 3 (FFEVF3). Identifiers: MedGen C4310708, MONDO:0014925, OMIM 617118.

Allele frequency attached by ClinVar (database versions not stated): gnomAD exomes 0.00001 and 0.00003; ExAC 0.00004; TOPMed 0.00002; gnomAD 0.00001.

Submissions (2):

Labcorp Genetics (formerly Invitae), Labcorp
Classification: Uncertain significance for Epilepsy, familial focal, with variable foci 3. Last evaluated: 2024-01-25. Review status: criteria provided, single submitter. Criteria: Invitae Variant Classification Sherloc (09022015). Collection method: clinical testing. Allele origin: germline.
Comment: This sequence change replaces arginine, which is basic and polar, with tryptophan, which is neutral and slightly polar, at codon 250 of the NPRL3 protein (p.Arg250Trp). This variant is present in population databases (rs577935445, gnomAD 0.008%). This variant has not been reported in the literature in individuals affected with NPRL3-related conditions. ClinVar contains an entry for this variant (Variation ID: 542794). Advanced modeling of protein sequence and biophysical properties (such as structural, functional, and spatial information, amino acid conservation, physicochemical variation, residue mobility, and thermodynamic stability) performed at Invitae indicates that this missense variant is not expected to disrupt NPRL3 protein function with a negative predictive value of 80%. In summary, the available evidence is currently insufficient to determine the role of this variant in disease. Therefore, it has been classified as a Variant of Uncertain Significance.

GeneDx
Classification: Uncertain significance. Last evaluated: 2020-02-04. Review status: criteria provided, single submitter. Criteria: GeneDx Variant Classification Process June 2021. Collection method: clinical testing. Allele origin: germline. Affected: yes.
Comment: In silico analysis supports that this missense variant has a deleterious effect on protein structure/function; Has not been previously published as pathogenic or benign to our knowledge